The following is an entry in ClinVar:

NM_001387690.1(KATNAL2):c.52-17145G>C

Gene: KATNAL2 (katanin catalytic subunit A1 like 2; plus strand). Cytogenetic location: 18q21.1.
Variant type: single nucleotide variant.
Coding change: c.52-17145G>C on transcript NM_001387690.1 (MANE Select); 17145 bases into the intron before coding-DNA position 52, G replaced by C.
Molecular consequence: intron variant.
Genome position (GRCh38, 1-based): chr18:47,029,312, G>C. VCF-style: chr18-47029312-G-C. GRCh37 (hg19) VCF-style: chr18-44555683-G-C.
Other names: c.-1-28923G>C (NM_001353904.1, NM_001353903.1, NM_001353907.1 and 3 more transcripts); c.130-17145G>C (NM_001353899.1, NM_001353900.1, NM_001353902.1); c.52-17145G>C (NM_001353901.1, NM_001367621.1); c.-294-17145G>C (NM_001353905.1); c.-94-23568G>C (NM_031303.3).
Identifiers: ClinVar variation 4821897 (VCV004821897.4).

ClinVar aggregate classification (germline): Likely benign (1 of 4 stars; one submission).

Submission:

CeGaT Center for Human Genetics Tuebingen
Classification: Likely benign. Last evaluated: 2026-03-01. Review status: criteria provided, single submitter. Criteria: CeGaT Center For Human Genetics Tuebingen Variant Classification Criteria Version 2. Collection method: clinical testing. Allele origin: germline. Affected: yes. Observed: 1 variant allele.
Comment: ELOA3P: PM2:Supporting, BP4, BP7